The following is an entry in ClinVar:

NM_006180.6(NTRK2):c.1634T>C (p.Phe545Ser)

Gene: NTRK2 (neurotrophic receptor tyrosine kinase 2; plus strand). Cytogenetic location: 9q21.33.
Variant type: single nucleotide variant.
Coding change: c.1634T>C on transcript NM_006180.6 (MANE Select); coding-DNA position 1634, T replaced by C.
Protein change: p.Phe545Ser; replaces phenylalanine 545 with serine.
Molecular consequence: missense variant.
Genome position (GRCh38, 1-based): chr9:84,934,162, T>C. VCF-style: chr9-84934162-T-C. GRCh37 (hg19) VCF-style: chr9-87549077-T-C.
Other names: c.1586T>C, p.Phe529Ser (NM_001018064.3, NM_001369532.1, NM_001369533.1); c.1550T>C, p.Phe517Ser (NM_001369534.1); c.1118T>C, p.Phe373Ser (NM_001369535.1); c.1166T>C, p.Phe389Ser (NM_001369536.1); short protein forms F373S, F389S, F517S, F529S, F545S.
Identifiers: ClinVar variation 3347689 (VCV003347689.1).

ClinVar aggregate classification (germline): Uncertain significance (0 of 4 stars; one submission).

Conditions:
NTRK2-related disorder. Also called: NTRK2-related condition.

Submission:

PreventionGenetics, part of Exact Sciences
Classification: Uncertain significance for NTRK2-related condition. Last evaluated: 2024-08-16. Review status: no assertion criteria provided. Collection method: clinical testing. Allele origin: germline.
Comment: The NTRK2 c.1634T>C variant is predicted to result in the amino acid substitution p.Phe545Ser. To our knowledge, this variant has not been reported in the literature or in a large population database, indicating this variant is rare. At this time, the clinical significance of this variant is uncertain due to the absence of conclusive functional and genetic evidence.